The following is an entry in ClinVar:

NM_005591.4(MRE11):c.586A>C (p.Lys196Gln)

Gene: MRE11 (MRE11 double strand break repair nuclease; minus strand). Cytogenetic location: 11q21.
Variant type: single nucleotide variant.
Coding change: c.586A>C on transcript NM_005591.4 (MANE Select); coding-DNA position 586, A replaced by C.
Protein change: p.Lys196Gln; replaces lysine 196 with glutamine.
Molecular consequence: missense variant.
Genome position (GRCh38, 1-based): chr11:94,476,362, T>G on the plus strand (A>C on the coding strand, the complement: MRE11 is on the minus strand). VCF-style: chr11-94476362-T-G. GRCh37 (hg19) VCF-style: chr11-94209528-T-G.
Other names: c.586A>C, p.Lys196Gln (NM_001330347.2, NM_005590.4); short protein forms K196Q.
Identifiers: ClinVar variation 1681616 (VCV001681616.8), dbSNP rs1305804736, ClinGen allele CA382376899.

ClinVar aggregate classification (germline): Uncertain significance. Review status: criteria provided, multiple submitters, no conflicts (2 of 4 stars). 2 submissions from 2 submitters: Uncertain significance (2). Last evaluated 2022-09-28.

Conditions:
Ataxia-telangiectasia-like disorder (ATLD). Identifiers: MedGen C1858391, MONDO:0011457.
Hereditary cancer-predisposing syndrome. Also called: Hereditary neoplastic syndrome; Neoplastic Syndromes, Hereditary; Tumor predisposition; Hereditary Cancer Syndrome. Identifiers: Orphanet 140162, MedGen C0027672, MeSH D009386, MONDO:0015356.

Allele frequency attached by ClinVar (database versions not stated): gnomAD exomes 0.00002 and 0.00005; TOPMed 0.00013; gnomAD 0.00015 and 0.00016.
gnomAD v4.1: 34 of 1,613,096 alleles (0.0021%); highest among the groups gnomAD compares: Admixed American, 0.057%; no homozygotes.

Submissions (2):

Ambry Genetics
Classification: Uncertain significance for Hereditary cancer-predisposing syndrome. Last evaluated: 2022-09-28. Review status: criteria provided, single submitter. Criteria: Ambry Variant Classification Scheme 2023. Collection method: clinical testing. Allele origin: germline.
Comment: The p.K196Q variant (also known as c.586A>C), located in coding exon 6 of the MRE11A gene, results from an A to C substitution at nucleotide position 586. The lysine at codon 196 is replaced by glutamine, an amino acid with similar properties. This amino acid position is conserved. In addition, the in silico prediction for this alteration is inconclusive. Since supporting evidence is limited at this time, the clinical significance of this alteration remains unclear.

Labcorp Genetics (formerly Invitae), Labcorp
Classification: Uncertain significance for Ataxia-telangiectasia-like disorder. Last evaluated: 2021-10-28. Review status: criteria provided, single submitter. Criteria: Invitae Variant Classification Sherloc (09022015). Collection method: clinical testing. Allele origin: germline.
Comment: This sequence change replaces lysine, which is basic and polar, with glutamine, which is neutral and polar, at codon 196 of the MRE11 protein (p.Lys196Gln). In summary, the available evidence is currently insufficient to determine the role of this variant in disease. Therefore, it has been classified as a Variant of Uncertain Significance. Algorithms developed to predict the effect of missense changes on protein structure and function (SIFT, PolyPhen-2, Align-GVGD) all suggest that this variant is likely to be tolerated. This variant has not been reported in the literature in individuals affected with MRE11-related conditions. This variant is present in population databases (no rsID available, gnomAD 0.04%).